The following is an entry in ClinVar:

NM_000051.4(ATM):c.497-3528_663-121del

Gene: ATM (ATM serine/threonine kinase; plus strand). Cytogenetic location: 11q22.3.
Variant type: Deletion.
Coding change: c.497-3528_663-121del on transcript NM_000051.4 (MANE Select); 3528 bases into the intron before coding-DNA position 497 through 121 bases into the intron before coding-DNA position 663, 4,243 bases deleted.
Molecular consequence: splice acceptor variant, splice donor variant.
Genome position (GRCh38, 1-based): chr11:108,240,425-108,244,667, 4,243 bases deleted. GRCh37 (hg19): chr11:108,111,152-108,115,394.
Other names: c.497-3528_663-121del (NM_001351834.2).
Identifiers: ClinVar variation 929442 (VCV000929442.1), ClinGen allele CA1139662263.

ClinVar aggregate classification (germline): Pathogenic (0 of 4 stars; one submission).

Conditions:
Ataxia-telangiectasia syndrome (AT). Also called: Ataxia-telangiectasia, complementation group D; Cerebello-oculocutaneous telangiectasia; Immunodeficiency with ataxia telangiectasia; LOUIS-BAR SYNDROME; Ataxia-telangiectasia; AT, COMPLEMENTATION GROUP C. Identifiers: Orphanet 100, MedGen C0004135, MONDO:0008840, OMIM 208900.

Submission:

Division of Genomic Medicine, Department of Advanced Medicine, Medical Research Institute, Kanazawa Medical University
Classification: Pathogenic for Ataxia-telangiectasia syndrome. Last evaluated: 2020-06-19. Review status: no assertion criteria provided. Collection method: clinical testing. Allele origin: germline. Affected: yes. Observed: 1 variant allele.
Comment: This large deletion includes exon 6 (NM_000051.4) of ATM. In mRNA level of peripheral blood mononuclear cell, two aberrant variants, exon 6 skip and exon 6 to 7 skip, were observed as NM_000051.4:r.[497_662del;497_901del]. And in protein level, the consequences are estimated as NP_000042.3:p.[(Glu166AspfsTer9;Glu166_Lys300del)].